The following is an entry in ClinVar:

ClinVar aggregate classification (germline): Uncertain significance (1 of 4 stars; one submission).

gnomAD v4.1: 26 of 1,613,840 alleles (0.0016%); highest among the groups gnomAD compares: Non-Finnish European, 0.0019%; no homozygotes.

Submission:

Labcorp Genetics (formerly Invitae), Labcorp
Classification: Uncertain significance. Last evaluated: 2025-08-05. Review status: criteria provided, single submitter. Criteria: Invitae Variant Classification Sherloc (09022015). Collection method: clinical testing. Allele origin: germline.
Comment: This sequence change replaces threonine, which is neutral and polar, with proline, which is neutral and non-polar, at codon 203 of the SKIV2L protein (p.Thr203Pro). This variant is present in population databases (rs145930212, gnomAD 0.002%). This variant has not been reported in the literature in individuals affected with SKIV2L-related conditions. An algorithm developed to predict the effect of missense changes on protein structure and function (PolyPhen-2) suggests that this variant is likely to be tolerated. In summary, the available evidence is currently insufficient to determine the role of this variant in disease. Therefore, it has been classified as a Variant of Uncertain Significance.

NM_006929.5(SKIC2):c.607A>C (p.Thr203Pro)

Gene: SKIC2 (SKI2 subunit of superkiller complex; plus strand). Cytogenetic location: 6p21.33.
Variant type: single nucleotide variant.
Coding change: c.607A>C on transcript NM_006929.5 (MANE Select); coding-DNA position 607, A replaced by C.
Protein change: p.Thr203Pro; replaces threonine 203 with proline.
Molecular consequence: missense variant.
Genome position (GRCh38, 1-based): chr6:31,961,204, A>C. VCF-style: chr6-31961204-A-C. GRCh37 (hg19) VCF-style: chr6-31928981-A-C.
Other names: short protein forms T203P.
Identifiers: ClinVar variation 4700233 (VCV004700233.1).